The following is an entry in ClinVar:

ClinVar aggregate classification (germline): Benign (1 of 4 stars; one submission).

Allele frequency attached by ClinVar (database versions not stated): gnomAD 0.64325; TOPMed 0.65323; 1000 Genomes Project 0.66833; 1000 Genomes Project 30x 0.67801.
gnomAD v4.1: 437,162 of 752,042 alleles (58%); highest among the groups gnomAD compares: African/African-American, 86%; 131,743 homozygotes.

Submission:

Unidad de Genómica Garrahan, Hospital de Pediatría Garrahan
Classification: Benign. Last evaluated: 2024-01-24. Review status: criteria provided, single submitter. Criteria: ACMG Guidelines, 2015. Collection method: clinical testing. Allele origin: germline. Affected: no. Observed: 44 variant alleles.
Comment: This variant is classified as Benign based on local population frequency. This variant was detected in 46% of patients studied by a panel of primary immunodeficiencies. Number of patients: 44. Only high quality variants are reported.

NM_004371.4(COPA):c.387-97C>T

Gene: COPA (COPI coat complex subunit alpha; minus strand). Cytogenetic location: 1q23.2.
Variant type: single nucleotide variant.
Coding change: c.387-97C>T on transcript NM_004371.4 (MANE Select); 97 bases into the intron before coding-DNA position 387, C replaced by T.
Molecular consequence: intron variant.
Genome position (GRCh38, 1-based): chr1:160,332,654, G>A on the plus strand (C>T on the coding strand, the complement: COPA is on the minus strand). VCF-style: chr1-160332654-G-A. GRCh37 (hg19) VCF-style: chr1-160302444-G-A.
Other names: c.387-97C>T (NM_001098398.2).
Identifiers: ClinVar variation 2688140 (VCV002688140.2), dbSNP rs4656897, ClinGen allele CA15072768.